The following is an entry in ClinVar:

ClinVar aggregate classification (germline): Uncertain significance (1 of 4 stars; one submission).

Submission:

Greenwood Genetic Center Diagnostic Laboratories, Greenwood Genetic Center
Classification: Uncertain significance. Last evaluated: 2024-05-30. Review status: criteria provided, single submitter. Criteria: ACMG Guidelines, 2015. Collection method: clinical testing. Allele origin: germline. Affected: yes.
Comment: PM2

NM_133433.4(NIPBL):c.359-1513G>A

Gene: NIPBL (NIPBL cohesin loading factor; plus strand). Cytogenetic location: 5p13.2.
Variant type: single nucleotide variant.
Coding change: c.359-1513G>A on transcript NM_133433.4 (MANE Select); 1513 bases into the intron before coding-DNA position 359, G replaced by A.
Molecular consequence: intron variant.
Genome position (GRCh38, 1-based): chr5:36,959,971, G>A. VCF-style: chr5-36959971-G-A. GRCh37 (hg19) VCF-style: chr5-36960073-G-A.
Other names: c.359-1513G>A (NM_015384.5).
Identifiers: ClinVar variation 3338537 (VCV003338537.1).